The following is an entry in ClinVar:

NM_000875.5(IGF1R):c.323del (p.Gly108fs)

Gene: IGF1R (insulin like growth factor 1 receptor; plus strand). Cytogenetic location: 15q26.3.
Variant type: Deletion.
Coding change: c.323del on transcript NM_000875.5 (MANE Select); coding-DNA position 323, one base deleted (G; older notation c.323delG).
Protein change: p.Gly108fs; shifts the reading frame from glycine 108.
Molecular consequence: frameshift variant.
Genome position (GRCh38, 1-based): chr15:98,707,790, G deleted; the last of 2 consecutive G bases (chr15:98,707,789-98,707,790); deleting either gives the same sequence. VCF-style (leftmost placement, unchanged base first): chr15-98707788-CG-C. GRCh37 (hg19) VCF-style: chr15-99251017-CG-C.
Other names: c.323del, p.Gly108fs (NM_001291858.2); c.323delG (NM_000875.3); c.323del (NM_000875.3); short protein forms G108fs.
Identifiers: ClinVar variation 418254 (VCV000418254.3), dbSNP rs1064793151, ClinGen allele CA16620063.

ClinVar aggregate classification (germline): Likely pathogenic (1 of 4 stars; one submission).

Submission:

GeneDx
Classification: Likely pathogenic. Last evaluated: 2023-04-18. Review status: criteria provided, single submitter. Criteria: GeneDx Variant Classification Process June 2021. Collection method: clinical testing. Allele origin: germline. Affected: yes.
Comment: Frameshift variant predicted to result in protein truncation or nonsense mediated decay in a gene for which loss of function is a known mechanism of disease; Not observed at significant frequency in large population cohorts (gnomAD); Has not been previously published as pathogenic or benign to our knowledge